The following is an entry in ClinVar:

ClinVar aggregate classification (germline): Uncertain significance (1 of 4 stars; one submission).

Conditions:
DICER1-related tumor predisposition. Also called: DICER1-related pleuropulmonary blastoma cancer predisposition syndrome; DICER1 syndrome. Identifiers: Orphanet 284343, MedGen C3839822, MONDO:0100216.

Submission:

Labcorp Genetics (formerly Invitae), Labcorp
Classification: Uncertain significance for DICER1-related tumor predisposition. Last evaluated: 2021-08-16. Review status: criteria provided, single submitter. Criteria: Invitae Variant Classification Sherloc (09022015). Collection method: clinical testing. Allele origin: germline.
Comment: This sequence change replaces alanine with glycine at codon 1578 of the DICER1 protein (p.Ala1578Gly). The alanine residue is highly conserved and there is a small physicochemical difference between alanine and glycine. In summary, the available evidence is currently insufficient to determine the role of this variant in disease. Therefore, it has been classified as a Variant of Uncertain Significance. Algorithms developed to predict the effect of missense changes on protein structure and function are either unavailable or do not agree on the potential impact of this missense change (SIFT: "Tolerated"; PolyPhen-2: "Probably Damaging"; Align-GVGD: "Class C0"). This variant has not been reported in the literature in individuals affected with DICER1-related conditions. This variant is not present in population databases (ExAC no frequency).

NM_177438.3(DICER1):c.4733C>G (p.Ala1578Gly)

Gene: DICER1 (dicer 1, ribonuclease III; minus strand). Cytogenetic location: 14q32.13.
Variant type: single nucleotide variant.
Coding change: c.4733C>G on transcript NM_177438.3 (MANE Select); coding-DNA position 4733, C replaced by G.
Protein change: p.Ala1578Gly; replaces alanine 1578 with glycine.
Molecular consequence: missense variant.
Genome position (GRCh38, 1-based): chr14:95,096,187, G>C on the plus strand (C>G on the coding strand, the complement: DICER1 is on the minus strand). VCF-style: chr14-95096187-G-C. GRCh37 (hg19) VCF-style: chr14-95562524-G-C.
Other names: c.4733C>G, p.Ala1578Gly (NM_001271282.3, NM_001291628.2, NM_030621.4 and 1 more transcripts); short protein forms A1578G.
Identifiers: ClinVar variation 1433405 (VCV001433405.7), dbSNP rs2139844612, ClinGen allele CA390867399.
Genomic context (GRCh38, chr14:95,096,187, plus strand): 5'-TCAGTCCTTTTAATTACCGGGAGCACCTTCAGCCCCAGTGAACAGAGGAAAAGCTGAGCA[G>C]CCCTCTCCCCACAGCTGGTTAAATAGCAGCCCAGCAGGGCTTCCACACAGTCCGCTATGC-3'
Protein context (NP_803187.1, residues 1568-1588): GCYLTSCGER[Ala1578Gly]AQLFLCSLGL